The following is an entry in ClinVar:

NM_001253.4(CDC5L):c.929T>C (p.Val310Ala)

Gene: CDC5L (cell division cycle 5 like; plus strand). Cytogenetic location: 6p21.1.
Variant type: single nucleotide variant.
Coding change: c.929T>C on transcript NM_001253.4 (MANE Select); coding-DNA position 929, T replaced by C.
Protein change: p.Val310Ala; replaces valine 310 with alanine.
Molecular consequence: missense variant.
Genome position (GRCh38, 1-based): chr6:44,408,469, T>C. VCF-style: chr6-44408469-T-C. GRCh37 (hg19) VCF-style: chr6-44376206-T-C.
Other names: short protein forms V310A.
Identifiers: ClinVar variation 742232 (VCV000742232.5), dbSNP rs200087867, ClinGen allele CA3835331.

ClinVar aggregate classification (germline): Likely benign. Review status: criteria provided, single submitter (1 of 4 stars). 2 submissions from 2 submitters: Likely benign (1). 1 of the submissions does not count toward it. Last evaluated 2018-06-01.

Conditions:
CDC5L-related disorder. Also called: CDC5L-related condition.

Allele frequency attached by ClinVar (database versions not stated): gnomAD 0.00005 and 0.00021; TOPMed 0.00006; gnomAD exomes 0.00030 and 0.00049; ExAC 0.00042; 1000 Genomes Project 30x 0.00078; 1000 Genomes Project 0.00080.

Submissions (2):

Labcorp Genetics (formerly Invitae), Labcorp
Classification: Likely benign. Last evaluated: 2018-06-01. Review status: criteria provided, single submitter. Criteria: Invitae Variant Classification Sherloc (09022015). Collection method: clinical testing. Allele origin: germline.

PreventionGenetics, part of Exact Sciences
Classification: Likely benign for CDC5L-related condition. Last evaluated: 2022-11-29. Review status: no assertion criteria provided. Collection method: clinical testing. Allele origin: germline. Not counted in ClinVar's aggregate classification.
Comment: This variant is classified as likely benign based on ACMG/AMP sequence variant interpretation guidelines (Richards et al. 2015 PMID: 25741868, with internal and published modifications).